The following is an entry in ClinVar:

ClinVar aggregate classification (germline): Uncertain significance. Review status: criteria provided, multiple submitters, no conflicts (2 of 4 stars). 2 submissions from 2 submitters: Uncertain significance (2). Last evaluated 2024-12-05.

Allele frequency attached by ClinVar (database versions not stated): gnomAD 0.00001.
gnomAD v4.1: 2 of 1,613,630 alleles (0.00012%); highest among the groups gnomAD compares: Admixed American, 0.0033%; no homozygotes.

Submissions (2):

GeneDx
Classification: Uncertain significance. Last evaluated: 2024-12-05. Review status: criteria provided, single submitter. Criteria: GeneDx Variant Classification Process June 2021. Collection method: clinical testing. Allele origin: germline. Affected: yes.
Comment: Not observed at significant frequency in large population cohorts (gnomAD); In silico analysis supports that this missense variant has a deleterious effect on protein structure/function; Has not been previously published as pathogenic or benign to our knowledge

Labcorp Genetics (formerly Invitae), Labcorp
Classification: Uncertain significance. Last evaluated: 2021-11-28. Review status: criteria provided, single submitter. Criteria: Invitae Variant Classification Sherloc (09022015). Collection method: clinical testing. Allele origin: germline.
Comment: In summary, the available evidence is currently insufficient to determine the role of this variant in disease. Therefore, it has been classified as a Variant of Uncertain Significance. Algorithms developed to predict the effect of missense changes on protein structure and function (SIFT, PolyPhen-2, Align-GVGD) all suggest that this variant is likely to be disruptive. This variant has not been reported in the literature in individuals affected with VCAN-related conditions. This variant is not present in population databases (gnomAD no frequency). This sequence change replaces glutamic acid, which is acidic and polar, with alanine, which is neutral and non-polar, at codon 3234 of the VCAN protein (p.Glu3234Ala).

NM_004385.5(VCAN):c.9701A>C (p.Glu3234Ala)

Genes: VCAN-AS1 (VCAN antisense RNA 1; minus strand), VCAN (versican; plus strand), LOC126807443 (BRD4-independent group 4 enhancer GRCh37_chr5:82849966-82851165; plus strand). Cytogenetic location: 5q14.3.
Variant type: single nucleotide variant.
Coding change: c.9701A>C on transcript NM_004385.5 (MANE Select); coding-DNA position 9701, A replaced by C.
Protein change: p.Glu3234Ala; replaces glutamic acid 3234 with alanine.
Molecular consequence: missense variant.
Genome position (GRCh38, 1-based): chr5:83,555,004, A>C. VCF-style: chr5-83555004-A-C. GRCh37 (hg19) VCF-style: chr5-82850823-A-C.
Other names: c.9701A>C (NM_004385.4); c.1478A>C, p.Glu493Ala (NM_001126336.3); c.6740A>C, p.Glu2247Ala (NM_001164097.2); c.4439A>C, p.Glu1480Ala (NM_001164098.2); short protein forms E1480A, E493A, E2247A, E3234A.
Identifiers: ClinVar variation 1357791 (VCV001357791.7), dbSNP rs1747615089, ClinGen allele CA360297720.